The following is an entry in ClinVar:

NM_001004334.4(GPR179):c.2692C>T (p.Pro898Ser)

Gene: GPR179 (G protein-coupled receptor 179; minus strand). Cytogenetic location: 17q12.
Variant type: single nucleotide variant.
Coding change: c.2692C>T on transcript NM_001004334.4 (MANE Select); coding-DNA position 2692, C replaced by T.
Protein change: p.Pro898Ser; replaces proline 898 with serine.
Molecular consequence: missense variant.
Genome position (GRCh38, 1-based): chr17:38,330,877, G>A on the plus strand (C>T on the coding strand, the complement: GPR179 is on the minus strand). VCF-style: chr17-38330877-G-A. GRCh37 (hg19) VCF-style: chr17-36486760-G-A.
Other names: short protein forms P898S.
Identifiers: ClinVar variation 3355918 (VCV003355918.1).
Genomic context (GRCh38, chr17:38,330,877, plus strand): 5'-CAGAGGTGTGAGAGCTGTCCACGCTGCTGCTCTTGGCAGGGGAAGGTGGAGCTGACAGGG[G>A]GGCCCCTCGAGGCCGCTCCAGCCTCCTGGCTGATGGCCTCCGCACCAGGCTGGCCATGGC-3'
Protein context (NP_001004334.3, residues 888-908): ARRLERPRGA[Pro898Ser]LSAPPSPAKS

ClinVar aggregate classification (germline): Uncertain significance (0 of 4 stars; one submission).

Conditions:
GPR179-related disorder. Also called: GPR179-related condition.

gnomAD v4.1: 9 of 1,600,848 alleles (0.00056%); highest among the groups gnomAD compares: Non-Finnish European, 0.00077%; no homozygotes.

Submission:

PreventionGenetics, part of Exact Sciences
Classification: Uncertain significance for GPR179-related condition. Last evaluated: 2024-08-08. Review status: no assertion criteria provided. Collection method: clinical testing. Allele origin: germline.
Comment: The GPR179 c.2692C>T variant is predicted to result in the amino acid substitution p.Pro898Ser. To our knowledge, this variant has not been reported in the literature. This variant is reported in 0.0020% of alleles in individuals of European (Non-Finnish) descent in gnomAD. At this time, the clinical significance of this variant is uncertain due to the absence of conclusive functional and genetic evidence.